The following is an entry in ClinVar:

NM_001197104.2(KMT2A):c.148G>A (p.Gly50Ser)

Gene: KMT2A (lysine methyltransferase 2A; plus strand). Cytogenetic location: 11q23.3.
Variant type: single nucleotide variant.
Coding change: c.148G>A on transcript NM_001197104.2 (MANE Select); coding-DNA position 148, G replaced by A.
Protein change: p.Gly50Ser; replaces glycine 50 with serine.
Molecular consequence: missense variant.
Genome position (GRCh38, 1-based): chr11:118,436,660, G>A. VCF-style: chr11-118436660-G-A. GRCh37 (hg19) VCF-style: chr11-118307375-G-A.
Other names: c.148G>A, p.Gly50Ser (NM_001412597.1, NM_005933.4); short protein forms G50S.
Identifiers: ClinVar variation 2967729 (VCV002967729.3), dbSNP rs1949187020, ClinGen allele CA382797352.

ClinVar aggregate classification (germline): Uncertain significance (1 of 4 stars; one submission).

Submission:

Labcorp Genetics (formerly Invitae), Labcorp
Classification: Uncertain significance. Last evaluated: 2022-12-20. Review status: criteria provided, single submitter. Criteria: Invitae Variant Classification Sherloc (09022015). Collection method: clinical testing. Allele origin: germline.
Comment: The frequency data for this variant in the population databases is considered unreliable, as metrics indicate insufficient coverage at this position in the gnomAD database. In summary, the available evidence is currently insufficient to determine the role of this variant in disease. Therefore, it has been classified as a Variant of Uncertain Significance. Advanced modeling of protein sequence and biophysical properties (such as structural, functional, and spatial information, amino acid conservation, physicochemical variation, residue mobility, and thermodynamic stability) performed at Invitae indicates that this missense variant is not expected to disrupt KMT2A protein function. This variant has not been reported in the literature in individuals affected with KMT2A-related conditions. This sequence change replaces glycine, which is neutral and non-polar, with serine, which is neutral and polar, at codon 50 of the KMT2A protein (p.Gly50Ser).